The following is an entry in ClinVar:

ClinVar aggregate classification (germline): Uncertain significance. Review status: criteria provided, multiple submitters, no conflicts (2 of 4 stars). 2 submissions from 2 submitters: Uncertain significance (2). Last evaluated 2024-05-28.

Allele frequency attached by ClinVar (database versions not stated): gnomAD exomes 0.00001 and 0.00002; TOPMed 0.00001; ExAC 0.00002.
gnomAD v4.1: 9 of 1,601,946 alleles (0.00056%); highest among the groups gnomAD compares: East Asian, 0.018%; no homozygotes.

Submissions (2):

GeneDx
Classification: Uncertain significance. Last evaluated: 2024-05-28. Review status: criteria provided, single submitter. Criteria: GeneDx Variant Classification Process June 2021. Collection method: clinical testing. Allele origin: germline. Affected: yes.
Comment: In silico analysis supports that this missense variant has a deleterious effect on protein structure/function; Has not been previously published as pathogenic or benign to our knowledge

Labcorp Genetics (formerly Invitae), Labcorp
Classification: Uncertain significance. Last evaluated: 2022-02-05. Review status: criteria provided, single submitter. Criteria: Invitae Variant Classification Sherloc (09022015). Collection method: clinical testing. Allele origin: germline.
Comment: In summary, the available evidence is currently insufficient to determine the role of this variant in disease. Therefore, it has been classified as a Variant of Uncertain Significance. Algorithms developed to predict the effect of missense changes on protein structure and function (SIFT, PolyPhen-2, Align-GVGD) all suggest that this variant is likely to be tolerated. This variant has not been reported in the literature in individuals affected with MYSM1-related conditions. This variant is present in population databases (rs759424002, gnomAD 0.03%). This sequence change replaces proline, which is neutral and non-polar, with threonine, which is neutral and polar, at codon 563 of the MYSM1 protein (p.Pro563Thr).

NM_001085487.3(MYSM1):c.1687C>A (p.Pro563Thr)

Gene: MYSM1 (Myb like, SWIRM and MPN domains 1; minus strand). Cytogenetic location: 1p32.1.
Variant type: single nucleotide variant.
Coding change: c.1687C>A on transcript NM_001085487.3 (MANE Select); coding-DNA position 1687, C replaced by A.
Protein change: p.Pro563Thr; replaces proline 563 with threonine.
Molecular consequence: missense variant.
Genome position (GRCh38, 1-based): chr1:58,669,013, G>T on the plus strand (C>A on the coding strand, the complement: MYSM1 is on the minus strand). VCF-style: chr1-58669013-G-T. GRCh37 (hg19) VCF-style: chr1-59134685-G-T.
Other names: c.1687C>A (NM_001085487.2); short protein forms P563T.
Identifiers: ClinVar variation 1426912 (VCV001426912.9), dbSNP rs759424002, ClinGen allele CA877715.